The following is an entry in ClinVar:

ClinVar aggregate classification (germline): Pathogenic. Review status: criteria provided, multiple submitters, no conflicts (2 of 4 stars). 9 submissions from 9 submitters: Pathogenic (9). Last evaluated 2025-06-10.

Conditions:
GJB1-related disorder. Also called: GJB1-related condition; GJB1-related disorders.
Charcot-Marie-Tooth Neuropathy X. Identifiers: MedGen CN118851.
Charcot-Marie-Tooth disease X-linked dominant 1. Also called: X-linked Charcot-Marie-Tooth disease type 1; GJB1 Disorders: Charcot-Marie-Tooth Neuropathy (CMT1X) and Central Nervous System Phenotypes; CHARCOT-MARIE-TOOTH NEUROPATHY, X-LINKED, 1; CHARCOT-MARIE-TOOTH PERONEAL MUSCULAR ATROPHY, X-LINKED; HEREDITARY MOTOR AND SENSORY NEUROPATHY, X-LINKED; HMSN, X-LINKED. Identifiers: Orphanet 101075, MedGen C0393808, MONDO:0010549, OMIM 302800.

Allele frequency attached by ClinVar (database versions not stated): gnomAD exomes below 0.00001; TOPMed 0.00002; gnomAD 0.00005.
gnomAD v4.1: 4 of 1,199,193 alleles (0.00033%); highest among the groups gnomAD compares: Non-Finnish European, 0.00045%; no homozygotes.

Submissions (9):

Women's Health and Genetics/Laboratory Corporation of America, LabCorp
Classification: Pathogenic for Charcot-Marie-Tooth disease X-linked dominant 1. Last evaluated: 2025-06-10. Review status: criteria provided, single submitter. Criteria: LabCorp Variant Classification Summary - May 2015. Collection method: clinical testing. Allele origin: germline.
Comment: Variant summary: GJB1 c.319C>T (p.Arg107Trp) results in a non-conservative amino acid change in the encoded protein sequence. Algorithms developed to predict the effect of missense changes on protein structure and function are either unavailable or do not agree on the potential impact of this missense change. The variant was absent in 168914 control chromosomes (gnomAD). c.319C>T has been observed in multiple individuals affected with Charcot-Marie-Tooth disease X-linked dominant 1 (e.g., Tan_1996, Silander_1997). These data indicate that the variant is very likely to be associated with disease. At least one publication reports experimental evidence evaluating an impact on protein function, finding that the variant results in <10% of normal functional conductance activity (Wang_2004). The following publications have been ascertained in the context of this evaluation (PMID: 8829637, 15006706, 9272161). ClinVar contains an entry for this variant (Variation ID: 217168). Based on the evidence outlined above, the variant was classified as pathogenic.

Labcorp Genetics (formerly Invitae), Labcorp
Classification: Pathogenic for Charcot-Marie-Tooth Neuropathy X. Last evaluated: 2025-04-17. Review status: criteria provided, single submitter. Criteria: Invitae Variant Classification Sherloc (09022015). Collection method: clinical testing. Allele origin: germline.
Comment: This sequence change replaces arginine, which is basic and polar, with tryptophan, which is neutral and slightly polar, at codon 107 of the GJB1 protein (p.Arg107Trp). This variant is present in population databases (no rsID available, gnomAD 0.01%), including at least one homozygous and/or hemizygous individual. This missense change has been observed in individuals with Charcot-Marie-Tooth disease (PMID: 8829637, 9272161, 10737979, 27544631). It has also been observed to segregate with disease in related individuals. ClinVar contains an entry for this variant (Variation ID: 217168). Invitae Evidence Modeling of protein sequence and biophysical properties (such as structural, functional, and spatial information, amino acid conservation, physicochemical variation, residue mobility, and thermodynamic stability) has been performed for this missense variant. However, the output from this modeling did not meet the statistical confidence thresholds required to predict the impact of this variant on GJB1 protein function. Experimental studies have shown that this missense change affects GJB1 function (PMID: 15006706). For these reasons, this variant has been classified as Pathogenic.

Institute of Medical Genetics and Applied Genomics, University Hospital Tübingen
Classification: Pathogenic for Charcot-Marie-Tooth disease X-linked dominant 1. Last evaluated: 2025-01-29. Review status: criteria provided, single submitter. Criteria: ACMG Guidelines, 2015. Collection method: clinical testing. Allele origin: germline. Inheritance: X-linked inheritance. Affected: yes.

Blueprint Genetics
Classification: Pathogenic for GJB1-related disorders. Last evaluated: 2024-04-29. Review status: criteria provided, single submitter. Criteria: ACMG Guidelines, 2015. Collection method: clinical testing. Allele origin: germline. Affected: yes. Observed: 2 variant alleles.

GeneDx
Classification: Pathogenic. Last evaluated: 2023-07-24. Review status: criteria provided, single submitter. Criteria: GeneDx Variant Classification Process June 2021. Collection method: clinical testing. Allele origin: germline. Affected: yes.
Comment: Published functional studies demonstrate a damaging effect showing that R107W formed defective junctional channels (Wang et al., 2004); Missense variants in this gene are often considered pathogenic (HGMD); In silico analysis supports that this missense variant has a deleterious effect on protein structure/function; This variant is associated with the following publications: (PMID: 30042657, 27544631, 19259128, 10737979, 9401007, 9272161, 8829637, 32010055, 9018031, 25429913, 12067629, 18937943, 33314704, 22464564, 31827005, 32376792, 37284795, 15006706)

CeGaT Center for Human Genetics Tuebingen
Classification: Pathogenic. Last evaluated: 2022-07-01. Review status: criteria provided, single submitter. Criteria: CeGaT Center For Human Genetics Tuebingen Variant Classification Criteria Version 2. Collection method: clinical testing. Allele origin: germline. Affected: yes. Observed: 1 variant allele.
Comment: GJB1: PP1:Strong, PM1, PM2, PS3:Moderate, PS4:Moderate, PP4

Clinical Genetics Laboratory, Skane University Hospital Lund
Classification: Pathogenic. Last evaluated: 2022-05-27. Review status: criteria provided, single submitter. Criteria: ACMG Guidelines, 2015. Collection method: clinical testing. Allele origin: germline. Affected: yes.

Victorian Clinical Genetics Services, Murdoch Childrens Research Institute
Classification: Pathogenic for Charcot-Marie-Tooth disease X-linked dominant 1. Last evaluated: 2022-02-02. Review status: criteria provided, single submitter. Criteria: ACMG Guidelines, 2015. Collection method: clinical testing. Allele origin: germline. Inheritance: X-linked dominant inheritance.
Comment: Based on the classification scheme VCGS_Germline_v1.3.4, this variant is classified as Pathogenic. Following criteria are met: 0102 - Loss of function is a known mechanism of disease in this gene and is associated with Charcot-Marie-Tooth neuropathy (MIM#302800). (I) 0110 - This gene is associated with X-linked dominant disease. (I) 0112 - The condition associated with this gene has incomplete penetrance. Some female variant carriers may be asymptomatic (GeneReviews). (I) 0115 - Variants in this gene are known to have variable expressivity. Phenotypic variability has been reported for affected males and female variant carriers (OMIM). (I) 0200 - Variant is predicted to result in a missense amino acid change from arginine to tryptophan. (I) 0251 - This variant is heterozygous. (I) 0302 - Variant is present in gnomAD (v2) <0.001 for a dominant condition (0 heterozygotes, 0 homozygotes, 1 hemizygote). (SP) 0309 - An alternative amino acid change at the same position has been observed in gnomAD (v2) (p.(Arg107Gln): 1 heterozygote, 2 hemizygotes). (I) 0502 - Missense variant with conflicting in silico predictions and uninformative conservation. (I) 0600 - Variant is located in the annotated connexin domain (DECIPHER). (I) 0801 - This variant has strong previous evidence of pathogenicity in unrelated individuals. This variant has been reported in at least ten individuals with Charcot-Marie-Tooth neuropathy (ClinVar, PMIDs: 8829637, 9272161, 10737979, 11571214, 25429913, 27544631, 32010055). (SP) 0902 - This variant has moderate evidence for segregation with disease. This variant has been shown to segregate in affected individuals in two families (PMIDs: 8829637, 9272161). (SP) 1208 - Inheritance information for this variant is not currently available in this individual. (I) Legend: (SP) - Supporting pathogenic, (I) - Information, (SB) - Supporting benign

Athena Diagnostics
Classification: Pathogenic for X-linked hereditary motor and sensory neuropathy. Last evaluated: 2015-09-08. Review status: criteria provided, single submitter. Criteria: Athena Diagnostics Criteria. Collection method: clinical testing. Allele origin: germline. Inheritance: X-linked dominant inheritance.
Comment: X-linked dominant inheritance

Literature cited by the submitters: PubMed 9272161 (cited by 4 submitters); PubMed 8829637 (cited by 4 submitters); PubMed 15006706 (cited by 3 submitters); PubMed 10737979 (cited by 3 submitters); PubMed 27544631 (cited by Labcorp Genetics (formerly Invitae), Labcorp and Victorian Clinical Genetics Services, Murdoch Childrens Research Institute); PubMed 11571214 (cited by Victorian Clinical Genetics Services, Murdoch Childrens Research Institute); PubMed 25429913 (cited by Victorian Clinical Genetics Services, Murdoch Childrens Research Institute); PubMed 32010055 (cited by Victorian Clinical Genetics Services, Murdoch Childrens Research Institute); PubMed 19259128 (cited by Athena Diagnostics); PubMed 9018031 (cited by Athena Diagnostics); PubMed 9401007 (cited by Athena Diagnostics).

NM_000166.6(GJB1):c.319C>T (p.Arg107Trp)

Gene: GJB1 (gap junction protein beta 1; plus strand). Cytogenetic location: Xq13.1.
Variant type: single nucleotide variant.
Coding change: c.319C>T on transcript NM_000166.6 (MANE Select); coding-DNA position 319, C replaced by T.
Protein change: p.Arg107Trp; replaces arginine 107 with tryptophan.
Molecular consequence: missense variant.
Genome position (GRCh38, 1-based): chrX:71,224,026, C>T. VCF-style: chrX-71224026-C-T. GRCh37 (hg19) VCF-style: chrX-70443876-C-T.
Other names: c.319C>T, p.Arg107Trp (NM_001097642.3); c.319C>T (NM_001097642.2); short protein forms R107W.
Identifiers: ClinVar variation 217168 (VCV000217168.46), dbSNP rs863224973, ClinGen allele CA279061.